The following is an entry in ClinVar:

NM_031935.3(HMCN1):c.1415T>G (p.Val472Gly)

Gene: HMCN1 (hemicentin 1; plus strand). Cytogenetic location: 1q31.1.
Variant type: single nucleotide variant.
Coding change: c.1415T>G on transcript NM_031935.3 (MANE Select); coding-DNA position 1415, T replaced by G.
Protein change: p.Val472Gly; replaces valine 472 with glycine.
Molecular consequence: missense variant.
Genome position (GRCh38, 1-based): chr1:185,925,176, T>G. VCF-style: chr1-185925176-T-G. GRCh37 (hg19) VCF-style: chr1-185894308-T-G.
Other names: short protein forms V472G.
Identifiers: ClinVar variation 1972153 (VCV001972153.5), dbSNP rs1005462500, ClinGen allele CA33458927.
Genomic context (GRCh38, chr1:185,925,176, plus strand): 5'-CTGTTGACAGTCTTTTGCCCTTTACCTTGAGCTTTGTCAGAAATGGAGTTACACTTGGAG[T>G]AGACCAGTATTTGAAGTAGGTACATGTTTCTGTCAGTAATAAGATTCAGCATTTAACATG-3'
Protein context (NP_114141.2, residues 462-482): SFVRNGVTLG[Val472Gly]DQYLKESASV

ClinVar aggregate classification (germline): Uncertain significance (1 of 4 stars; one submission).

Allele frequency attached by ClinVar (database versions not stated): gnomAD exomes below 0.00001; TOPMed 0.00001; gnomAD 0.00003.
gnomAD v4.1: 6 of 1,613,532 alleles (0.00037%); highest among the groups gnomAD compares: African/African-American, 0.0067%; no homozygotes.

Submission:

Labcorp Genetics (formerly Invitae), Labcorp
Classification: Uncertain significance. Last evaluated: 2024-11-11. Review status: criteria provided, single submitter. Criteria: Invitae Variant Classification Sherloc (09022015). Collection method: clinical testing. Allele origin: germline.
Comment: This sequence change replaces valine, which is neutral and non-polar, with glycine, which is neutral and non-polar, at codon 472 of the HMCN1 protein (p.Val472Gly). This variant is present in population databases (no rsID available, gnomAD 0.007%). This variant has not been reported in the literature in individuals affected with HMCN1-related conditions. ClinVar contains an entry for this variant (Variation ID: 1972153). An algorithm developed to predict the effect of missense changes on protein structure and function (PolyPhen-2) suggests that this variant is likely to be disruptive. In summary, the available evidence is currently insufficient to determine the role of this variant in disease. Therefore, it has been classified as a Variant of Uncertain Significance.